The following is an entry in ClinVar:

ClinVar aggregate classification (germline): Uncertain significance (1 of 4 stars; one submission).

gnomAD v4.1: 1 of 1,614,140 alleles (0.000062%); highest among the groups gnomAD compares: Non-Finnish European, 0.000085%; no homozygotes.

Submission:

Labcorp Genetics (formerly Invitae), Labcorp
Classification: Uncertain significance. Last evaluated: 2024-06-23. Review status: criteria provided, single submitter. Criteria: Invitae Variant Classification Sherloc (09022015). Collection method: clinical testing. Allele origin: germline.
Comment: This sequence change replaces serine, which is neutral and polar, with asparagine, which is neutral and polar, at codon 34 of the PTH protein (p.Ser34Asn). This variant is present in population databases (no rsID available, gnomAD 0.003%). This variant has not been reported in the literature in individuals affected with PTH-related conditions. An algorithm developed to predict the effect of missense changes on protein structure and function (PolyPhen-2) suggests that this variant is likely to be disruptive. In summary, the available evidence is currently insufficient to determine the role of this variant in disease. Therefore, it has been classified as a Variant of Uncertain Significance.

NM_000315.4(PTH):c.101G>A (p.Ser34Asn)

Gene: PTH (parathyroid hormone; minus strand). Cytogenetic location: 11p15.3.
Variant type: single nucleotide variant.
Coding change: c.101G>A on transcript NM_000315.4 (MANE Select); coding-DNA position 101, G replaced by A.
Protein change: p.Ser34Asn; replaces serine 34 with asparagine.
Molecular consequence: missense variant.
Genome position (GRCh38, 1-based): chr11:13,492,652, C>T on the plus strand (G>A on the coding strand, the complement: PTH is on the minus strand). VCF-style: chr11-13492652-C-T. GRCh37 (hg19) VCF-style: chr11-13514199-C-T.
Other names: c.197G>A, p.Ser66Asn (NM_001316352.2); short protein forms S34N, S66N.
Identifiers: ClinVar variation 3614237 (VCV003614237.2).